The following is an entry in ClinVar:

NM_001253852.3(AP4B1):c.1244G>A (p.Cys415Tyr)

Genes: AP4B1 (adaptor related protein complex 4 subunit beta 1; minus strand), AP4B1-AS1 (AP4B1 antisense RNA 1; plus strand). Cytogenetic location: 1p13.2.
Variant type: single nucleotide variant.
Coding change: c.1244G>A on transcript NM_001253852.3 (MANE Select); coding-DNA position 1244, G replaced by A.
Protein change: p.Cys415Tyr; replaces cysteine 415 with tyrosine.
Molecular consequence: missense variant. On other transcripts: non-coding transcript variant (2).
Genome position (GRCh38, 1-based): chr1:113,897,898, C>T on the plus strand (G>A on the coding strand, the complement: AP4B1 is on the minus strand). VCF-style: chr1-113897898-C-T. GRCh37 (hg19) VCF-style: chr1-114440520-C-T.
Other names: c.947G>A, p.Cys316Tyr (NM_001253853.3); c.740G>A, p.Cys247Tyr (NM_001308312.2); c.1244G>A, p.Cys415Tyr (NM_006594.5); c.1244G>A (NM_006594.2); short protein forms C247Y, C316Y, C415Y.
Identifiers: ClinVar variation 1163150 (VCV001163150.13), dbSNP rs200590674, ClinGen allele CA1015846.
Genomic context (GRCh38, chr1:113,897,898, plus strand): 5'-ACCTCACTATCTTGAATGTTCTCTTCACAGCCGGGCAGGGCCTGACATACAGCTTCAGTA[C>T]ACTGAGGACACAACCAAACCAGGTCTCGGAAAGTCTGCACCACCACTACAATACAGGCCA-3'
Protein context (NP_001240781.1, residues 405-425): FRDLVWLCPQ[Cys415Tyr]TEAVCQALPG

ClinVar aggregate classification (germline): Uncertain significance. Review status: criteria provided, multiple submitters, no conflicts (2 of 4 stars). 7 submissions from 7 submitters: Uncertain significance (7). Last evaluated 2024-09-13.

Conditions:
Inborn genetic diseases. Identifiers: MedGen C0950123, MeSH D030342.
Hereditary spastic paraplegia 47. Also called: CEREBRAL PALSY, SPASTIC QUADRIPLEGIC, 5; adaptor protein 4 (AP-4) deficiency syndrome; Spastic paraplegia 47, autosomal recessive. Identifiers: Orphanet 280763, MedGen C3279738, MONDO:0013551, OMIM 614066.

Allele frequency attached by ClinVar (database versions not stated): ExAC 0.00017; TOPMed 0.00024; gnomAD 0.00027 and 0.00028; ESP Exome Variant Server 0.00031.
gnomAD v4.1: 520 of 1,614,144 alleles (0.032%); highest among the groups gnomAD compares: Non-Finnish European, 0.041%; no homozygotes.

Submissions (7):

Blueprint Genetics
Classification: Uncertain significance. Last evaluated: 2024-09-13. Review status: criteria provided, single submitter. Criteria: ACMG Guidelines, 2015. Collection method: clinical testing. Allele origin: germline.

Genome-Nilou Lab
Classification: Uncertain significance for Hereditary spastic paraplegia 47. Last evaluated: 2023-04-11. Review status: criteria provided, single submitter. Criteria: ACMG Guidelines, 2015. Collection method: clinical testing. Allele origin: germline. Affected: no.

Labcorp Genetics (formerly Invitae), Labcorp
Classification: Uncertain significance for Hereditary spastic paraplegia 47. Last evaluated: 2022-05-05. Review status: criteria provided, single submitter. Criteria: Invitae Variant Classification Sherloc (09022015). Collection method: clinical testing. Allele origin: germline.
Comment: This sequence change replaces cysteine, which is neutral and slightly polar, with tyrosine, which is neutral and polar, at codon 415 of the AP4B1 protein (p.Cys415Tyr). This variant is present in population databases (rs200590674, gnomAD 0.03%). This variant has not been reported in the literature in individuals affected with AP4B1-related conditions. ClinVar contains an entry for this variant (Variation ID: 1163150). Algorithms developed to predict the effect of missense changes on protein structure and function (SIFT, PolyPhen-2, Align-GVGD) all suggest that this variant is likely to be tolerated. In summary, the available evidence is currently insufficient to determine the role of this variant in disease. Therefore, it has been classified as a Variant of Uncertain Significance.

Ambry Genetics
Classification: Uncertain significance for Inborn genetic diseases. Last evaluated: 2021-06-04. Review status: criteria provided, single submitter. Criteria: Ambry Variant Classification Scheme 2023. Collection method: clinical testing. Allele origin: germline.

Mayo Clinic Laboratories, Mayo Clinic
Classification: Uncertain significance. Last evaluated: 2020-09-10. Review status: criteria provided, single submitter. Criteria: ACMG Guidelines, 2015. Collection method: clinical testing. Allele origin: germline. Observed: 1 variant allele.

GeneDx
Classification: Uncertain significance. Last evaluated: 2019-10-22. Review status: criteria provided, single submitter. Criteria: GeneDx Variant Classification Process June 2021. Collection method: clinical testing. Allele origin: germline. Affected: yes.
Comment: In silico analysis, which includes protein predictors and evolutionary conservation, supports that this variant does not alter protein structure/function; Has not been previously published as pathogenic or benign to our knowledge

Breakthrough Genomics
Classification: Uncertain significance. Review status: criteria provided, single submitter. Criteria: ACMG Guidelines, 2015. Collection method: not provided. Allele origin: germline. Inheritance: Autosomal recessive inheritance. Affected: yes.